The following is an entry in ClinVar:

ClinVar aggregate classification (germline): Uncertain significance (1 of 4 stars; one submission).

Conditions:
Hereditary persistence of fetal hemoglobin. Identifiers: MedGen C0019025, MONDO:0020989, OMIM 141749.

Submission:

ARUP Laboratories, Molecular Genetics and Genomics, ARUP Laboratories
Classification: Uncertain significance for Hereditary persistence of fetal hemoglobin. Last evaluated: 2024-03-29. Review status: criteria provided, single submitter. Criteria: ARUP Molecular Germline Variant Investigation Process 2024. Collection method: clinical testing. Allele origin: germline.
Comment: The HBG1 c.190C>T; p.His64Tyr variant, to our knowledge, is not reported in the medical literature or gene specific databases. However, another variant at this codon in the homologous HBG2 gene (Hb F-M-Osaka, HBG2: c.190C>T; p.His64Tyr, also known as His63Tyr when numbered from the mature protein, HbVar ID: 601) has been reported in newborns with mild methemoglobinemia and transient neonatal cyanosis (Alonso-Ojembarrena 2016, Chandran 2022, Chen 2024, Yuan 2020 see HbVar and references therein). Hb F-M-Osaka has also been found to segregate with transient neonatal cyanosis (Alonso-Ojembarrena 2016, Yuan 2020). HBG1 c.190C>T is absent from the Genome Aggregation Database (v2.1.1), indicating it is not a common polymorphism. Computational analyses predict that this variant is deleterious (REVEL: 0.835). The HBG1 and HBG2 genes are highly homologous, differing at only one codon (Papachatzopoulou and Patrinos 2011). Based on the available information, this variant is considered to be likely pathogenic. References: Link to HbVar database: Alonso-Ojembarrena A et al. Hemoglobin M Disease as a Cause of Cyanosis in a Newborn. J Pediatr Hematol Oncol. 2016 Apr;38(3):173-5. PMID: 26694193. Chandran S et al. The journey from blue to pinkâ€“a rare cause for self-limiting methemoglobinemia in an Indian baby. Case Reports in Perinatal Medicine. 2022 Aug 11. DOI 10.1515/crpm-2021-0054 Chen Y et al. Case Report: A case report and literature review of hemoglobin variation associated with neonatal cyanosis. Front Pediatr. 2024 Feb 13;12:1334757. PMID: 38415208. Papachatzopoulou A and Patrinos GP. Identical mutations in the paralogous human ?-globin genes leading to hemoglobin variants and nondeletional hereditary persistence of fetal hemoglobin. Hemoglobin. 2011;35(2):135-41. PMID: 21417570. Yuan J and Zhu XP. Clinical characteristics on manifestation and gene mutation of a transient neonatal cyanosis: A case report. World J Clin Cases. 2020 Jan 6;8(1):217-221. PMID: 31970190.

NM_000559.3(HBG1):c.190C>T (p.His64Tyr)

Genes: HBG1 (hemoglobin subunit gamma 1; minus strand), LOC106099064 (HBG1 recombination region; plus strand). Cytogenetic location: 11p15.4.
Variant type: single nucleotide variant.
Coding change: c.190C>T on transcript NM_000559.3 (MANE Select); coding-DNA position 190, C replaced by T.
Protein change: p.His64Tyr; replaces histidine 64 with tyrosine.
Molecular consequence: missense variant.
Genome position (GRCh38, 1-based): chr11:5,249,493, G>A on the plus strand (C>T on the coding strand, the complement: HBG1 is on the minus strand). VCF-style: chr11-5249493-G-A. GRCh37 (hg19) VCF-style: chr11-5270723-G-A.
Other names: short protein forms H64Y.
Identifiers: ClinVar variation 3766540 (VCV003766540.1).